The following is an entry in ClinVar:

NM_002637.4(PHKA1):c.1731C>A (p.Ser577Arg)

Gene: PHKA1 (phosphorylase kinase regulatory subunit alpha 1; minus strand). Cytogenetic location: Xq13.1.
Variant type: single nucleotide variant.
Coding change: c.1731C>A on transcript NM_002637.4 (MANE Select); coding-DNA position 1731, C replaced by A.
Protein change: p.Ser577Arg; replaces serine 577 with arginine.
Molecular consequence: missense variant.
Genome position (GRCh38, 1-based): chrX:72,627,033, G>T on the plus strand (C>A on the coding strand, the complement: PHKA1 is on the minus strand). VCF-style: chrX-72627033-G-T. GRCh37 (hg19) VCF-style: chrX-71846883-G-T.
Other names: c.1731C>A, p.Ser577Arg (NM_001122670.2, NM_001172436.2); short protein forms S577R.
Identifiers: ClinVar variation 2628959 (VCV002628959.3), dbSNP rs2522515680, ClinGen allele CA413591829.

ClinVar aggregate classification (germline): Uncertain significance. Review status: criteria provided, multiple submitters, no conflicts (2 of 4 stars). 2 submissions from 2 submitters: Uncertain significance (2). Last evaluated 2024-08-06.

Conditions:
PHKA1-related disorder. Also called: PHKA1-related condition.
Glycogen storage disease IXd (GSD9D). Also called: Muscle Phosphorylase Kinase Deficiency; GSD IXd. Identifiers: Orphanet 715, MedGen C1845151, MONDO:0010362, OMIM 300559.

Allele frequency attached by ClinVar (database versions not stated): gnomAD exomes below 0.00001.
gnomAD v4.1: 2 of 1,205,789 alleles (0.00017%); highest among the groups gnomAD compares: Non-Finnish European, 0.00022%; no homozygotes.

Submissions (2):

Labcorp Genetics (formerly Invitae), Labcorp
Classification: Uncertain significance for Glycogen storage disease IXd. Last evaluated: 2024-08-06. Review status: criteria provided, single submitter. Criteria: Invitae Variant Classification Sherloc (09022015). Collection method: clinical testing. Allele origin: germline.
Comment: This sequence change replaces serine, which is neutral and polar, with arginine, which is basic and polar, at codon 577 of the PHKA1 protein (p.Ser577Arg). This variant is not present in population databases (gnomAD no frequency). This variant has not been reported in the literature in individuals affected with PHKA1-related conditions. ClinVar contains an entry for this variant (Variation ID: 2628959). Advanced modeling of protein sequence and biophysical properties (such as structural, functional, and spatial information, amino acid conservation, physicochemical variation, residue mobility, and thermodynamic stability) performed at Invitae indicates that this missense variant is not expected to disrupt PHKA1 protein function with a negative predictive value of 80%. In summary, the available evidence is currently insufficient to determine the role of this variant in disease. Therefore, it has been classified as a Variant of Uncertain Significance.

PreventionGenetics, part of Exact Sciences
Classification: Uncertain significance for PHKA1-related condition. Last evaluated: 2023-01-06. Review status: criteria provided, single submitter. Criteria: ACMG Guidelines, 2015. Collection method: clinical testing. Allele origin: germline.
Comment: The PHKA1 c.1731C>A variant is predicted to result in the amino acid substitution p.Ser577Arg. To our knowledge, this variant has not been reported in the literature or in a large population database, indicating this variant is rare. At this time, the clinical significance of this variant is uncertain due to the absence of conclusive functional and genetic evidence.